The following is an entry in ClinVar:

ClinVar aggregate classification (germline): Likely pathogenic (1 of 4 stars; one submission).

Conditions:
Holocarboxylase synthetase deficiency. Also called: MULTIPLE CARBOXYLASE DEFICIENCY, EARLY ONSET. Identifiers: Orphanet 79242, MedGen C0268581, MONDO:0009666, OMIM 253270.

Submission:

Myriad Genetics, Inc.
Classification: Likely pathogenic for Holocarboxylase synthetase deficiency. Last evaluated: 2021-12-30. Review status: criteria provided, single submitter. Criteria: Myriad Women's Health Autosomal Recessive and X-Linked Classification Criteria (2021). Collection method: clinical testing. Allele origin: unknown.
Comment: NM_000411.6(HLCS):c.604delG(E202Rfs*56) is expected to be pathogenic in the context of holocarboxylase synthetase deficiency. This variant is predicted to lead to an abnormal or absent protein product due to the creation of a premature termination codon in HLCS, a gene where loss-of-function variants are known to be pathogenic. Please note: this variant was assessed in the context of healthy population screening.

NM_001352514.2(HLCS):c.1045del (p.Glu349fs)

Gene: HLCS (holocarboxylase synthetase; minus strand). Cytogenetic location: 21q22.13.
Variant type: Deletion.
Coding change: c.1045del on transcript NM_001352514.2 (MANE Select); coding-DNA position 1045, one base deleted (G; older notation c.1045delG).
Protein change: p.Glu349fs; shifts the reading frame from glutamic acid 349.
Molecular consequence: frameshift variant. On other transcripts: non-coding transcript variant (2).
Genome position (GRCh38, 1-based): chr21:36,936,841, C deleted on the plus strand (G on the coding strand, the reverse complement: HLCS is on the minus strand); the first of 2 consecutive C bases (chr21:36,936,841-36,936,842); deleting either gives the same sequence. VCF-style (leftmost placement, unchanged base first): chr21-36936840-TC-T. GRCh37 (hg19) VCF-style: chr21-38309140-TC-T.
Other names: c.604del, p.Glu202fs (NM_001352517.1, NM_001352518.2, NM_000411.8 and 4 more transcripts); short protein forms E202fs, E349fs.
Identifiers: ClinVar variation 1726699 (VCV001726699.2), dbSNP rs2517578772, ClinGen allele CA2580098715.
Genomic context (GRCh38, chr21:36,936,840, plus strand): 5'-CTGGTAGCAATGACCAACAGCAGACAGTTGTCCGTCCACGGGTCTCTGAGAGCACTGTCC[TC>T]CAGCAGGTGGTAGAGAATATAACTGTCAATGTCCACACAGTCGGCCAGCACAGACCGGAC-3'